The following is an entry in ClinVar:

ClinVar aggregate classification (germline): Conflicting classifications of pathogenicity. Review status: criteria provided, conflicting classifications (1 of 4 stars). 3 submissions from 3 submitters: Likely pathogenic (1); Uncertain significance (2). Last evaluated 2025-08-30.

Conditions:
Deficiency of aromatic-L-amino-acid decarboxylase. Also called: AADC DEFICIENCY; Aromatic L-Amino Acid Decarboxylase Deficiency; DDC DEFICIENCY; DOPA DECARBOXYLASE DEFICIENCY; Aromatic amino acid decarboxylase deficiency. Identifiers: Orphanet 35708, MedGen C1291564, MONDO:0012084, OMIM 608643.

Allele frequency attached by ClinVar (database versions not stated): gnomAD 0.00001; gnomAD exomes 0.00002; TOPMed 0.00002.
gnomAD v4.1: 11 of 1,613,220 alleles (0.00068%); highest among the groups gnomAD compares: Admixed American, 0.012%; no homozygotes.

Submissions (3):

Labcorp Genetics (formerly Invitae), Labcorp
Classification: Uncertain significance for Deficiency of aromatic-L-amino-acid decarboxylase. Last evaluated: 2025-08-30. Review status: criteria provided, single submitter. Criteria: Invitae Variant Classification Sherloc (09022015). Collection method: clinical testing. Allele origin: germline.
Comment: This sequence change replaces asparagine, which is neutral and polar, with isoleucine, which is neutral and non-polar, at codon 308 of the DDC protein (p.Asn308Ile). This variant is present in population databases (no rsID available, gnomAD 0.01%). This variant has not been reported in the literature in individuals affected with DDC-related conditions. ClinVar contains an entry for this variant (Variation ID: 568083). Invitae Evidence Modeling of protein sequence and biophysical properties (such as structural, functional, and spatial information, amino acid conservation, physicochemical variation, residue mobility, and thermodynamic stability) indicates that this missense variant is expected to disrupt DDC protein function with a positive predictive value of 80%. In summary, the available evidence is currently insufficient to determine the role of this variant in disease. Therefore, it has been classified as a Variant of Uncertain Significance.

Mendelics
Classification: Likely pathogenic for Deficiency of aromatic-L-amino-acid decarboxylase. Last evaluated: 2023-07-06. Review status: criteria provided, single submitter. Criteria: Mendelics Assertion Criteria 2019. Collection method: clinical testing. Allele origin: unknown. Inheritance: Autosomal recessive inheritance.

GeneDx
Classification: Uncertain significance. Last evaluated: 2022-10-31. Review status: criteria provided, single submitter. Criteria: GeneDx Variant Classification Process June 2021. Collection method: clinical testing. Allele origin: germline. Affected: yes.
Comment: Has not been previously published as pathogenic or benign to our knowledge; In silico analysis supports that this missense variant has a deleterious effect on protein structure/function

NM_001082971.2(DDC):c.923A>T (p.Asn308Ile)

Gene: DDC (dopa decarboxylase; minus strand). Cytogenetic location: 7p12.2.
Variant type: single nucleotide variant.
Coding change: c.923A>T on transcript NM_001082971.2 (MANE Select); coding-DNA position 923, A replaced by T.
Protein change: p.Asn308Ile; replaces asparagine 308 with isoleucine.
Molecular consequence: missense variant.
Genome position (GRCh38, 1-based): chr7:50,495,371, T>A on the plus strand (A>T on the coding strand, the complement: DDC is on the minus strand). VCF-style: chr7-50495371-T-A. GRCh37 (hg19) VCF-style: chr7-50563069-T-A.
Other names: c.923A>T, p.Asn308Ile (NM_000790.4, NM_001242890.2); c.809A>T, p.Asn270Ile (NM_001242886.2); c.779A>T, p.Asn260Ile (NM_001242887.2); c.689A>T, p.Asn230Ile (NM_001242888.2); c.644A>T, p.Asn215Ile (NM_001242889.2); short protein forms N308I, N215I, N230I, N260I, N270I.
Identifiers: ClinVar variation 568083 (VCV000568083.10), dbSNP rs375716771, ClinGen allele CA367538071.